The following is an entry in ClinVar:

NM_001101426.4(CRPPA):c.226C>G (p.Leu76Val)

Gene: CRPPA (CDP-L-ribitol pyrophosphorylase A; minus strand). Cytogenetic location: 7p21.2.
Variant type: single nucleotide variant.
Coding change: c.226C>G on transcript NM_001101426.4 (MANE Select); coding-DNA position 226, C replaced by G.
Protein change: p.Leu76Val; replaces leucine 76 with valine.
Molecular consequence: missense variant. On other transcripts: non-coding transcript variant (1).
Genome position (GRCh38, 1-based): chr7:16,421,097, G>C on the plus strand (C>G on the coding strand, the complement: CRPPA is on the minus strand). VCF-style: chr7-16421097-G-C. GRCh37 (hg19) VCF-style: chr7-16460722-G-C.
Other names: c.226C>G, p.Leu76Val (NM_001101417.4, NM_001368197.1); short protein forms L76V.
Identifiers: ClinVar variation 435528 (VCV000435528.11), dbSNP rs939213590, ClinGen allele CA154766853.

ClinVar aggregate classification (germline): Uncertain significance. Review status: criteria provided, multiple submitters, no conflicts (2 of 4 stars). 3 submissions from 3 submitters: Uncertain significance (3). Last evaluated 2025-01-24.

Conditions:
Muscular dystrophy-dystroglycanopathy (congenital with brain and eye anomalies), type A, 7. Also called: WALKER-WARBURG SYNDROME OR MUSCLE-EYE-BRAIN DISEASE, ISPD-RELATED; Congenital muscular dystrophy-dystroglycanopathy with brain and eye anomalies, type A7. Identifiers: Orphanet 899, MedGen C3553330, MONDO:0013835, OMIM 614643.
Autosomal recessive limb-girdle muscular dystrophy type 2U. Also called: Muscular dystrophy-dystroglycanopathy (limb-girdle), type c, 7; MUSCULAR DYSTROPHY, LIMB-GIRDLE, TYPE 2U. Identifiers: Orphanet 352479, MedGen C5190987, MONDO:0014474, OMIM 616052.

Allele frequency attached by ClinVar (database versions not stated): gnomAD exomes 0.00001; gnomAD 0.00006; TOPMed 0.00013.
gnomAD v4.1: 15 of 1,298,676 alleles (0.0012%); highest among the groups gnomAD compares: African/African-American, 0.023%; no homozygotes.

Submissions (3):

Ambry Genetics
Classification: Uncertain significance. Last evaluated: 2025-01-24. Review status: criteria provided, single submitter. Criteria: Ambry Variant Classification Scheme 2023. Collection method: clinical testing. Allele origin: germline.

Labcorp Genetics (formerly Invitae), Labcorp
Classification: Uncertain significance for Muscular dystrophy-dystroglycanopathy (congenital with brain and eye anomalies), type A, 7; Autosomal recessive limb-girdle muscular dystrophy type 2U. Last evaluated: 2021-09-24. Review status: criteria provided, single submitter. Criteria: Invitae Variant Classification Sherloc (09022015). Collection method: clinical testing. Allele origin: germline.
Comment: This sequence change replaces leucine with valine at codon 76 of the ISPD protein (p.Leu76Val). The leucine residue is highly conserved and there is a small physicochemical difference between leucine and valine. The frequency data for this variant in the population databases is considered unreliable, as metrics indicate insufficient coverage at this position in the ExAC database. This variant has not been reported in the literature in individuals with ISPD-related conditions. ClinVar contains an entry for this variant (Variation ID: 435528). Algorithms developed to predict the effect of missense changes on protein structure and function are either unavailable or do not agree on the potential impact of this missense change (SIFT: "Deleterious"; PolyPhen-2: "Benign"; Align-GVGD: "Class C0"). In summary, the available evidence is currently insufficient to determine the role of this variant in disease. Therefore, it has been classified as a Variant of Uncertain Significance.

Genetic Services Laboratory, University of Chicago
Classification: Uncertain significance. Last evaluated: 2017-02-01. Review status: criteria provided, single submitter. Criteria: ACMG Guidelines, 2015. Collection method: clinical testing. Allele origin: germline. Affected: no.